The following is an entry in ClinVar:

NM_005732.4(RAD50):c.2500G>A (p.Glu834Lys)

Gene: RAD50 (RAD50 double strand break repair protein; plus strand). Cytogenetic location: 5q31.1.
Variant type: single nucleotide variant.
Coding change: c.2500G>A on transcript NM_005732.4 (MANE Select); coding-DNA position 2500, G replaced by A.
Protein change: p.Glu834Lys; replaces glutamic acid 834 with lysine.
Molecular consequence: missense variant.
Genome position (GRCh38, 1-based): chr5:132,604,022, G>A. VCF-style: chr5-132604022-G-A. GRCh37 (hg19) VCF-style: chr5-131939714-G-A.
Other names: short protein forms E834K.
Identifiers: ClinVar variation 1023356 (VCV001023356.7), dbSNP rs786203285, ClinGen allele CA360955822.

ClinVar aggregate classification (germline): Uncertain significance (1 of 4 stars; one submission).

Conditions:
Hereditary cancer-predisposing syndrome. Also called: Hereditary Cancer Syndrome; Neoplastic Syndromes, Hereditary; Tumor predisposition; Hereditary neoplastic syndrome. Identifiers: Orphanet 140162, MedGen C0027672, MeSH D009386, MONDO:0015356.

Allele frequency attached by ClinVar (database versions not stated): gnomAD exomes below 0.00001.
gnomAD v4.1: 2 of 1,613,718 alleles (0.00012%); highest among the groups gnomAD compares: Non-Finnish European, 0.00017%; no homozygotes.

Submission:

Labcorp Genetics (formerly Invitae), Labcorp
Classification: Uncertain significance for Hereditary cancer-predisposing syndrome. Last evaluated: 2022-07-06. Review status: criteria provided, single submitter. Criteria: Invitae Variant Classification Sherloc (09022015). Collection method: clinical testing. Allele origin: germline.
Comment: In summary, the available evidence is currently insufficient to determine the role of this variant in disease. Therefore, it has been classified as a Variant of Uncertain Significance. This variant is present in population databases (no rsID available, gnomAD 0.0009%). This variant has not been reported in the literature in individuals affected with RAD50-related conditions. ClinVar contains an entry for this variant (Variation ID: 1023356). Algorithms developed to predict the effect of missense changes on protein structure and function (SIFT, PolyPhen-2, Align-GVGD) all suggest that this variant is likely to be tolerated. This sequence change replaces glutamic acid, which is acidic and polar, with lysine, which is basic and polar, at codon 834 of the RAD50 protein (p.Glu834Lys).